The following is an entry in ClinVar:

ClinVar aggregate classification (germline): Uncertain significance. Review status: criteria provided, multiple submitters, no conflicts (2 of 4 stars). 2 submissions from 2 submitters: Uncertain significance (2). Last evaluated 2023-08-02.

Conditions:
Inborn genetic diseases. Identifiers: MedGen C0950123, MeSH D030342.

Allele frequency attached by ClinVar (database versions not stated): gnomAD 0.00001; gnomAD exomes 0.00002; TOPMed 0.00002; 1000 Genomes Project 30x 0.00031.
gnomAD v4.1: 28 of 1,324,484 alleles (0.0021%); highest among the groups gnomAD compares: Middle Eastern, 0.057%; no homozygotes.

Submissions (2):

Ambry Genetics
Classification: Uncertain significance for Inborn genetic diseases. Last evaluated: 2023-08-02. Review status: criteria provided, single submitter. Criteria: Ambry Variant Classification Scheme 2023. Collection method: clinical testing. Allele origin: germline.

Labcorp Genetics (formerly Invitae), Labcorp
Classification: Uncertain significance. Last evaluated: 2022-05-29. Review status: criteria provided, single submitter. Criteria: Invitae Variant Classification Sherloc (09022015). Collection method: clinical testing. Allele origin: germline.
Comment: This sequence change replaces alanine, which is neutral and non-polar, with serine, which is neutral and polar, at codon 12 of the SCARF2 protein (p.Ala12Ser). The frequency data for this variant in the population databases is considered unreliable, as metrics indicate poor data quality at this position in the gnomAD database. This variant has not been reported in the literature in individuals affected with SCARF2-related conditions. Algorithms developed to predict the effect of missense changes on protein structure and function output the following: SIFT: "Deleterious"; PolyPhen-2: "Not Available"; Align-GVGD: "Class C0". The serine amino acid residue is found in multiple mammalian species, which suggests that this missense change does not adversely affect protein function. In summary, the available evidence is currently insufficient to determine the role of this variant in disease. Therefore, it has been classified as a Variant of Uncertain Significance.

NM_182895.5(SCARF2):c.34G>T (p.Ala12Ser)

Gene: SCARF2 (scavenger receptor class F member 2; minus strand). Cytogenetic location: 22q11.21.
Variant type: single nucleotide variant.
Coding change: c.34G>T on transcript NM_182895.5 (MANE Select); coding-DNA position 34, G replaced by T.
Protein change: p.Ala12Ser; replaces alanine 12 with serine.
Molecular consequence: missense variant.
Genome position (GRCh38, 1-based): chr22:20,437,721, C>A on the plus strand (G>T on the coding strand, the complement: SCARF2 is on the minus strand). VCF-style: chr22-20437721-C-A. GRCh37 (hg19) VCF-style: chr22-20792008-C-A.
Other names: c.34G>T, p.Ala12Ser (NM_153334.7); c.34G>T (NM_153334.4); short protein forms A12S.
Identifiers: ClinVar variation 2056892 (VCV002056892.3), dbSNP rs1379953879, ClinGen allele CA410750209.